The following is an entry in ClinVar:

ClinVar aggregate classification (germline): Uncertain significance. Review status: criteria provided, multiple submitters, no conflicts (2 of 4 stars). 2 submissions from 2 submitters: Uncertain significance (2). Last evaluated 2025-04-23.

Conditions:
Hereditary cancer-predisposing syndrome. Also called: Neoplastic Syndromes, Hereditary; Tumor predisposition; Hereditary neoplastic syndrome; Hereditary Cancer Syndrome. Identifiers: Orphanet 140162, MedGen C0027672, MeSH D009386, MONDO:0015356.
Oligodontia-cancer predisposition syndrome. Also called: TOOTH AGENESIS-COLORECTAL CANCER SYNDROME. Identifiers: Orphanet 300576, MedGen C1837750, MONDO:0012075, OMIM 608615. Disease mechanism: loss of function.

Allele frequency attached by ClinVar (database versions not stated): gnomAD exomes below 0.00001; TOPMed 0.00001.

Submissions (2):

Ambry Genetics
Classification: Uncertain significance for Hereditary cancer-predisposing syndrome. Last evaluated: 2025-04-23. Review status: criteria provided, single submitter. Criteria: Ambry Variant Classification Scheme 2023. Collection method: clinical testing. Allele origin: germline.
Comment: The p.G91S variant (also known as c.271G>A), located in coding exon 1 of the AXIN2 gene, results from a G to A substitution at nucleotide position 271. The glycine at codon 91 is replaced by serine, an amino acid with similar properties. This amino acid position is highly conserved in available vertebrate species. In addition, the in silico prediction for this alteration is inconclusive. Based on the available evidence, the clinical significance of this variant remains unclear.

Labcorp Genetics (formerly Invitae), Labcorp
Classification: Uncertain significance for Oligodontia-cancer predisposition syndrome. Last evaluated: 2025-03-12. Review status: criteria provided, single submitter. Criteria: Invitae Variant Classification Sherloc (09022015). Collection method: clinical testing. Allele origin: germline.
Comment: This sequence change replaces glycine, which is neutral and non-polar, with serine, which is neutral and polar, at codon 91 of the AXIN2 protein (p.Gly91Ser). This variant is present in population databases (no rsID available, gnomAD 0.01%). This variant has not been reported in the literature in individuals affected with AXIN2-related conditions. ClinVar contains an entry for this variant (Variation ID: 568658). Invitae Evidence Modeling of protein sequence and biophysical properties (such as structural, functional, and spatial information, amino acid conservation, physicochemical variation, residue mobility, and thermodynamic stability) indicates that this missense variant is expected to disrupt AXIN2 protein function with a positive predictive value of 80%. In summary, the available evidence is currently insufficient to determine the role of this variant in disease. Therefore, it has been classified as a Variant of Uncertain Significance.

NM_004655.4(AXIN2):c.271G>A (p.Gly91Ser)

Gene: AXIN2 (axin 2; minus strand). Cytogenetic location: 17q24.1.
Variant type: single nucleotide variant.
Coding change: c.271G>A on transcript NM_004655.4 (MANE Select); coding-DNA position 271, G replaced by A.
Protein change: p.Gly91Ser; replaces glycine 91 with serine.
Molecular consequence: missense variant.
Genome position (GRCh38, 1-based): chr17:65,558,350, C>T on the plus strand (G>A on the coding strand, the complement: AXIN2 is on the minus strand). VCF-style: chr17-65558350-C-T. GRCh37 (hg19) VCF-style: chr17-63554468-C-T.
Other names: c.271G>A (LRG_296t1); c.271G>A, p.Gly91Ser (NM_001363813.1); short protein forms G91S.
Identifiers: ClinVar variation 568658 (VCV000568658.12), dbSNP rs1480283302, ClinGen allele CA400681768.